The following is an entry in ClinVar:

ClinVar aggregate classification (germline): Uncertain significance. Review status: criteria provided, multiple submitters, no conflicts (2 of 4 stars). 2 submissions from 2 submitters: Uncertain significance (2). Last evaluated 2024-11-13.

Conditions:
Hereditary cancer-predisposing syndrome. Also called: Hereditary Cancer Syndrome; Neoplastic Syndromes, Hereditary; Tumor predisposition; Hereditary neoplastic syndrome. Identifiers: Orphanet 140162, MedGen C0027672, MeSH D009386, MONDO:0015356.

Allele frequency attached by ClinVar (database versions not stated): gnomAD exomes below 0.00001.
gnomAD v4.1: 1 of 1,606,182 alleles (0.000062%); highest among the groups gnomAD compares: Non-Finnish European, 0.000085%; no homozygotes.

Submissions (2):

Ambry Genetics
Classification: Uncertain significance for Hereditary cancer-predisposing syndrome. Last evaluated: 2024-11-13. Review status: criteria provided, single submitter. Criteria: Ambry Variant Classification Scheme 2023. Collection method: clinical testing. Allele origin: germline.
Comment: The c.1063-3C>T intronic variant results from a C to T substitution 3 nucleotides upstream from coding exon 7 in the CTNNA1 gene. This nucleotide position is poorly conserved in available vertebrate species. In silico splice site analysis predicts that this alteration will not have any significant effect on splicing. The evidence for this gene-disease relationship is limited; therefore, the clinical significance of this alteration is unclear.

Labcorp Genetics (formerly Invitae), Labcorp
Classification: Uncertain significance. Last evaluated: 2023-06-17. Review status: criteria provided, single submitter. Criteria: Invitae Variant Classification Sherloc (09022015). Collection method: clinical testing. Allele origin: germline.
Comment: This variant is not present in population databases (gnomAD no frequency). This sequence change falls in intron 7 of the CTNNA1 gene. It does not directly change the encoded amino acid sequence of the CTNNA1 protein. It affects a nucleotide within the consensus splice site. This variant has not been reported in the literature in individuals affected with CTNNA1-related conditions. In summary, the available evidence is currently insufficient to determine the role of this variant in disease. Therefore, it has been classified as a Variant of Uncertain Significance. Variants that disrupt the consensus splice site are a relatively common cause of aberrant splicing (PMID: 17576681, 9536098). Algorithms developed to predict the effect of sequence changes on RNA splicing suggest that this variant is not likely to affect RNA splicing. ClinVar contains an entry for this variant (Variation ID: 1021894).

Literature cited by the submitters: PubMed 17576681 (cited by Labcorp Genetics (formerly Invitae), Labcorp); PubMed 9536098 (cited by Labcorp Genetics (formerly Invitae), Labcorp).

NM_001903.5(CTNNA1):c.1063-3C>T

Gene: CTNNA1 (catenin alpha 1; plus strand). Cytogenetic location: 5q31.2.
Variant type: single nucleotide variant.
Coding change: c.1063-3C>T on transcript NM_001903.5 (MANE Select); 3 bases into the intron before coding-DNA position 1063, C replaced by T.
Molecular consequence: intron variant.
Genome position (GRCh38, 1-based): chr5:138,886,209, C>T. VCF-style: chr5-138886209-C-T. GRCh37 (hg19) VCF-style: chr5-138221898-C-T.
Other names: c.1063-3C>T (NM_001903.2, NM_001323982.2, NM_001323984.2 and 4 more transcripts); c.694-3C>T (NM_001290310.3); c.754-3C>T (NM_001290309.3); c.-48-3C>T (NM_001323996.1, NM_001323993.1, NM_001324005.1 and 18 more transcripts); c.-445-3C>T (NM_001324007.1, NM_001324009.1, NM_001324006.1 and 1 more transcripts); c.-320-3C>T (NM_001324013.1); c.-58+10612C>T (NM_001324012.1); c.-61+10612C>T (NM_001324010.1).
Identifiers: ClinVar variation 1021894 (VCV001021894.10), dbSNP rs959690356, ClinGen allele CA128237356.